The following is an entry in ClinVar:

NM_005257.6(GATA6):c.1302+3G>A

Gene: GATA6 (GATA binding protein 6; plus strand). Cytogenetic location: 18q11.2.
Variant type: single nucleotide variant.
Coding change: c.1302+3G>A on transcript NM_005257.6 (MANE Select); 3 bases into the intron after coding-DNA position 1302, G replaced by A.
Molecular consequence: intron variant.
Genome position (GRCh38, 1-based): chr18:22,177,124, G>A. VCF-style: chr18-22177124-G-A. GRCh37 (hg19) VCF-style: chr18-19757085-G-A.
Identifiers: ClinVar variation 1352464 (VCV001352464.6), dbSNP rs896413516, ClinGen allele CA297151551.

ClinVar aggregate classification (germline): Uncertain significance (1 of 4 stars; one submission).

Conditions:
Atrioventricular septal defect 5 (AVSD5). Identifiers: MedGen C3280939, MONDO:0013769, OMIM 614474.

Allele frequency attached by ClinVar (database versions not stated): gnomAD 0.00001 and 0.00004; gnomAD exomes 0.00001; TOPMed 0.00002.
gnomAD v4.1: 6 of 1,546,598 alleles (0.00039%); highest among the groups gnomAD compares: Admixed American, 0.002%; no homozygotes.

Submission:

Labcorp Genetics (formerly Invitae), Labcorp
Classification: Uncertain significance for Atrioventricular septal defect 5. Last evaluated: 2025-05-11. Review status: criteria provided, single submitter. Criteria: Invitae Variant Classification Sherloc (09022015). Collection method: clinical testing. Allele origin: germline.
Comment: This sequence change falls in intron 3 of the GATA6 gene. It does not directly change the encoded amino acid sequence of the GATA6 protein. It affects a nucleotide within the consensus splice site. The frequency data for this variant in the population databases is considered unreliable, as metrics indicate poor data quality at this position in the gnomAD database. This variant has not been reported in the literature in individuals affected with GATA6-related conditions. ClinVar contains an entry for this variant (Variation ID: 1352464). Variants that disrupt the consensus splice site are a relatively common cause of aberrant splicing (PMID: 17576681, 9536098). Algorithms developed to predict the effect of sequence changes on RNA splicing suggest that this variant is not likely to affect RNA splicing. In summary, the available evidence is currently insufficient to determine the role of this variant in disease. Therefore, it has been classified as a Variant of Uncertain Significance.

Literature cited by the submitters: PubMed 17576681; PubMed 9536098.